The following is an entry in ClinVar:

ClinVar aggregate classification (germline): Uncertain significance (1 of 4 stars; one submission).

Conditions:
DICER1-related tumor predisposition. Also called: DICER1-related pleuropulmonary blastoma cancer predisposition syndrome; DICER1 syndrome. Identifiers: Orphanet 284343, MedGen C3839822, MONDO:0100216.

Submission:

Labcorp Genetics (formerly Invitae), Labcorp
Classification: Uncertain significance for DICER1-related tumor predisposition. Last evaluated: 2024-07-11. Review status: criteria provided, single submitter. Criteria: Invitae Variant Classification Sherloc (09022015). Collection method: clinical testing. Allele origin: germline.
Comment: This sequence change replaces aspartic acid, which is acidic and polar, with asparagine, which is neutral and polar, at codon 1421 of the DICER1 protein (p.Asp1421Asn). This variant is not present in population databases (gnomAD no frequency). This variant has not been reported in the literature in individuals affected with DICER1-related conditions. An algorithm developed to predict the effect of missense changes on protein structure and function (PolyPhen-2) suggests that this variant is likely to be tolerated. In summary, the available evidence is currently insufficient to determine the role of this variant in disease. Therefore, it has been classified as a Variant of Uncertain Significance.

NM_177438.3(DICER1):c.4261G>A (p.Asp1421Asn)

Gene: DICER1 (dicer 1, ribonuclease III; minus strand). Cytogenetic location: 14q32.13.
Variant type: single nucleotide variant.
Coding change: c.4261G>A on transcript NM_177438.3 (MANE Select); coding-DNA position 4261, G replaced by A.
Protein change: p.Asp1421Asn; replaces aspartic acid 1421 with asparagine.
Molecular consequence: missense variant. On other transcripts: non-coding transcript variant (6).
Genome position (GRCh38, 1-based): chr14:95,096,659, C>T on the plus strand (G>A on the coding strand, the complement: DICER1 is on the minus strand). VCF-style: chr14-95096659-C-T. GRCh37 (hg19) VCF-style: chr14-95562996-C-T.
Other names: c.4261G>A, p.Asp1421Asn (NM_001195573.1, NM_001271282.3, NM_001291628.2 and 12 more transcripts); c.3979G>A, p.Asp1327Asn (NM_001395686.1); c.3856G>A, p.Asp1286Asn (NM_001395687.1, NM_001395688.1, NM_001395689.1 and 2 more transcripts); c.3694G>A, p.Asp1232Asn (NM_001395691.1); c.2578G>A, p.Asp860Asn (NM_001395697.1); short protein forms D1232N, D1327N, D860N, D1286N, D1421N.
Identifiers: ClinVar variation 3659210 (VCV003659210.2).